The following is an entry in ClinVar:

ClinVar aggregate classification (germline): Uncertain significance (1 of 4 stars; one submission).

gnomAD v4.1: 8 of 1,613,386 alleles (0.0005%); highest among the groups gnomAD compares: Non-Finnish European, 0.00068%; no homozygotes.

Submission:

Ambry Genetics
Classification: Uncertain significance. Last evaluated: 2024-10-05. Review status: criteria provided, single submitter. Criteria: Ambry Variant Classification Scheme 2023. Collection method: clinical testing. Allele origin: germline.
Comment: The p.K848R variant (also known as c.2543A>G), located in coding exon 13 of the GEN1 gene, results from an A to G substitution at nucleotide position 2543. The lysine at codon 848 is replaced by arginine, an amino acid with highly similar properties. This amino acid position is conserved. In addition, this alteration is predicted to be tolerated by in silico analysis. Based on the available evidence, the clinical significance of this variant remains unclear.

NM_001130009.3(GEN1):c.2543A>G (p.Lys848Arg)

Gene: GEN1 (GEN1 Holliday junction 5' flap endonuclease; plus strand). Cytogenetic location: 2p24.2.
Variant type: single nucleotide variant.
Coding change: c.2543A>G on transcript NM_001130009.3 (MANE Select); coding-DNA position 2543, A replaced by G.
Protein change: p.Lys848Arg; replaces lysine 848 with arginine.
Molecular consequence: missense variant.
Genome position (GRCh38, 1-based): chr2:17,781,755, A>G. VCF-style: chr2-17781755-A-G. GRCh37 (hg19) VCF-style: chr2-17963022-A-G.
Other names: c.2543A>G, p.Lys848Arg (NM_182625.5); short protein forms K848R.
Identifiers: ClinVar variation 3519701 (VCV003519701.1).